The following is an entry in ClinVar:

NM_015015.3(KDM4B):c.1072T>C (p.Trp358Arg)

Gene: KDM4B (lysine demethylase 4B; plus strand). Cytogenetic location: 19p13.3.
Variant type: single nucleotide variant.
Coding change: c.1072T>C on transcript NM_015015.3 (MANE Select); coding-DNA position 1072, T replaced by C.
Protein change: p.Trp358Arg; replaces tryptophan 358 with arginine.
Molecular consequence: missense variant.
Genome position (GRCh38, 1-based): chr19:5,110,775, T>C. VCF-style: chr19-5110775-T-C. GRCh37 (hg19) VCF-style: chr19-5110786-T-C.
Other names: c.1072T>C, p.Trp358Arg (NM_001370093.1, NM_001370094.1, NM_001411148.1); short protein forms W358R.
Identifiers: ClinVar variation 2573909 (VCV002573909.1), dbSNP rs2512537652, ClinGen allele CA403495123.

ClinVar aggregate classification (germline): Uncertain significance (1 of 4 stars; one submission).

Submission:

GeneDx
Classification: Uncertain significance. Last evaluated: 2023-01-24. Review status: criteria provided, single submitter. Criteria: GeneDx Variant Classification Process June 2021. Collection method: clinical testing. Allele origin: germline. Affected: yes.
Comment: Not observed at significant frequency in large population cohorts (gnomAD); In silico analysis supports that this missense variant has a deleterious effect on protein structure/function; Has not been previously published as pathogenic or benign to our knowledge